The following is an entry in ClinVar:

ClinVar aggregate classification (germline): Uncertain significance. Review status: criteria provided, multiple submitters, no conflicts (2 of 4 stars). 4 submissions from 4 submitters: Uncertain significance (4). Last evaluated 2025-12-09.

Conditions:
Hypertrophic cardiomyopathy 11. Also called: ACTC1-Related Familial Hypertrophic Cardiomyopathy. Identifiers: MedGen C2677506, MONDO:0012799, OMIM 612098.
Dilated cardiomyopathy 1R (CMD1R). Identifiers: Orphanet 154, Orphanet 54260, MedGen C3150681, MONDO:0013261, OMIM 613424.
Atrial septal defect 5 (ASD5). Identifiers: Orphanet 1478, MedGen C2748552, MONDO:0013011, OMIM 612794.
Cardiomyopathy (CMYO). Also called: Cardiomyopathies. Identifiers: Orphanet 167848, MedGen C0878544, MONDO:0004994, HP:0001638. Inheritance: Various modes of inheritance.
Cardiovascular phenotype. Identifiers: MedGen CN230736.

Allele frequency attached by ClinVar (database versions not stated): gnomAD exomes below 0.00001; TOPMed 0.00001.
gnomAD v4.1: 1 of 1,614,154 alleles (0.000062%); highest among the groups gnomAD compares: Non-Finnish European, 0.000085%; no homozygotes.

Submissions (4):

Color Diagnostics, LLC DBA Color Health
Classification: Uncertain significance for Cardiomyopathy. Last evaluated: 2025-12-09. Review status: criteria provided, single submitter. Criteria: ACMG Guidelines, 2015. Collection method: clinical testing. Allele origin: germline.
Comment: This missense variant replaces threonine with isoleucine at codon 162 of the ACTC1 protein. Computational prediction suggests that this variant may have deleterious impact on protein structure and function. To our knowledge, functional studies have not been reported for this variant. This variant has not been reported in individuals affected with ACTC1-related disorders in the literature. This variant has been identified in 1/1614154 chromosomes in the general population by the Genome Aggregation Database (gnomAD). The available evidence is insufficient to determine the role of this variant in disease conclusively. Therefore, this variant is classified as a Variant of Uncertain Significance.

Labcorp Genetics (formerly Invitae), Labcorp
Classification: Uncertain significance for Dilated cardiomyopathy 1R; Hypertrophic cardiomyopathy 11; Atrial septal defect 5. Last evaluated: 2024-11-11. Review status: criteria provided, single submitter. Criteria: Invitae Variant Classification Sherloc (09022015). Collection method: clinical testing. Allele origin: germline.
Comment: This sequence change replaces threonine, which is neutral and polar, with isoleucine, which is neutral and non-polar, at codon 162 of the ACTC1 protein (p.Thr162Ile). This variant is not present in population databases (gnomAD no frequency). This variant has not been reported in the literature in individuals affected with ACTC1-related conditions. ClinVar contains an entry for this variant (Variation ID: 917758). Invitae Evidence Modeling of protein sequence and biophysical properties (such as structural, functional, and spatial information, amino acid conservation, physicochemical variation, residue mobility, and thermodynamic stability) indicates that this missense variant is not expected to disrupt ACTC1 protein function with a negative predictive value of 80%. In summary, the available evidence is currently insufficient to determine the role of this variant in disease. Therefore, it has been classified as a Variant of Uncertain Significance.

Ambry Genetics
Classification: Uncertain significance for Cardiovascular phenotype. Last evaluated: 2020-04-20. Review status: criteria provided, single submitter. Criteria: Ambry Variant Classification Scheme 2023. Collection method: clinical testing. Allele origin: germline.
Comment: The p.T162I variant (also known as c.485C>T), located in coding exon 3 of the ACTC1 gene, results from a C to T substitution at nucleotide position 485. The threonine at codon 162 is replaced by isoleucine, an amino acid with similar properties. This amino acid position is highly conserved in available vertebrate species. In addition, this alteration is predicted to be deleterious by in silico analysis. Since supporting evidence is limited at this time, the clinical significance of this alteration remains unclear.

Women's Health and Genetics/Laboratory Corporation of America, LabCorp
Classification: Uncertain significance. Last evaluated: 2020-04-13. Review status: criteria provided, single submitter. Criteria: LabCorp Variant Classification Summary - May 2015. Collection method: clinical testing. Allele origin: germline.
Comment: Variant summary: ACTC1 c.485C>T (p.Thr162Ile) results in a non-conservative amino acid change in the encoded protein sequence. Four of five in-silico tools predict a damaging effect of the variant on protein function. The variant was absent in 251494 control chromosomes (gnomAD). The available data on variant occurrences in the general population are insufficient to allow any conclusion about variant significance. To our knowledge, no occurrence of c.485C>T in individuals affected with Cardiomyopathy and no experimental evidence demonstrating its impact on protein function have been reported. No clinical diagnostic laboratories have submitted clinical-significance assessments for this variant to ClinVar after 2014. Based on the evidence outlined above, the variant was classified as uncertain significance.

NM_005159.5(ACTC1):c.485C>T (p.Thr162Ile)

Genes: GJD2-DT (GJD2 divergent transcript; plus strand), ACTC1 (actin alpha cardiac muscle 1; minus strand). Cytogenetic location: 15q14.
Variant type: single nucleotide variant.
Coding change: c.485C>T on transcript NM_005159.5 (MANE Select); coding-DNA position 485, C replaced by T.
Protein change: p.Thr162Ile; replaces threonine 162 with isoleucine.
Molecular consequence: missense variant.
Genome position (GRCh38, 1-based): chr15:34,792,539, G>A on the plus strand (C>T on the coding strand, the complement: ACTC1 is on the minus strand). VCF-style: chr15-34792539-G-A. GRCh37 (hg19) VCF-style: chr15-35084740-G-A.
Other names: short protein forms T162I.
Identifiers: ClinVar variation 917758 (VCV000917758.10), dbSNP rs1379875828, ClinGen allele CA391631126.